The following is an entry in ClinVar:

ClinVar aggregate classification (germline): Uncertain significance (1 of 4 stars; one submission).

Submission:

GeneDx
Classification: Uncertain significance. Last evaluated: 2024-04-03. Review status: criteria provided, single submitter. Criteria: GeneDx Variant Classification Process June 2021. Collection method: clinical testing. Allele origin: germline. Affected: yes.
Comment: Not observed at significant frequency in large population cohorts (gnomAD); In silico analysis supports that this missense variant does not alter protein structure/function; Has not been previously published as pathogenic or benign to our knowledge

NM_206933.4(USH2A):c.10285A>G (p.Arg3429Gly)

Gene: USH2A (usherin; minus strand). Cytogenetic location: 1q41.
Variant type: single nucleotide variant.
Coding change: c.10285A>G on transcript NM_206933.4 (MANE Select); coding-DNA position 10285, A replaced by G.
Protein change: p.Arg3429Gly; replaces arginine 3429 with glycine.
Molecular consequence: missense variant.
Genome position (GRCh38, 1-based): chr1:215,786,772, T>C on the plus strand (A>G on the coding strand, the complement: USH2A is on the minus strand). VCF-style: chr1-215786772-T-C. GRCh37 (hg19) VCF-style: chr1-215960114-T-C.
Other names: short protein forms R3429G.
Identifiers: ClinVar variation 3371430 (VCV003371430.1).